The following is an entry in ClinVar:

NM_001105244.2(PTPRM):c.2019G>A (p.Ala673=)

Gene: PTPRM (protein tyrosine phosphatase receptor type M; plus strand). Cytogenetic location: 18p11.23.
Variant type: single nucleotide variant.
Coding change: c.2019G>A on transcript NM_001105244.2 (MANE Select); coding-DNA position 2019, G replaced by A.
Protein change: p.Ala673=; no amino-acid change (alanine 673 retained).
Molecular consequence: synonymous variant.
Genome position (GRCh38, 1-based): chr18:8,113,648, G>A. VCF-style: chr18-8113648-G-A. GRCh37 (hg19) VCF-style: chr18-8113646-G-A.
Other names: c.1380G>A, p.Ala460= (NM_001378142.1, NM_001378143.1, NM_001378144.1 and 3 more transcripts); c.2019G>A, p.Ala673= (NM_002845.4).
Identifiers: ClinVar variation 3041733 (VCV003041733.2), dbSNP rs149158808, ClinGen allele CA8884251.

ClinVar aggregate classification (germline): Likely benign (0 of 4 stars; one submission).

Conditions:
PTPRM-related disorder. Also called: PTPRM-related condition.

Allele frequency attached by ClinVar (database versions not stated): 1000 Genomes Project 0.00300; 1000 Genomes Project 30x 0.00328; ESP Exome Variant Server 0.00577.
gnomAD v4.1: 11,224 of 1,613,966 alleles (0.7%); highest among the groups gnomAD compares: South Asian, 1.1%; 58 homozygotes.

Submission:

PreventionGenetics, part of Exact Sciences
Classification: Likely benign for PTPRM-related condition. Last evaluated: 2019-02-19. Review status: no assertion criteria provided. Collection method: clinical testing. Allele origin: germline.
Comment: This variant is classified as likely benign based on ACMG/AMP sequence variant interpretation guidelines (Richards et al. 2015 PMID: 25741868, with internal and published modifications).